The following is an entry in ClinVar:

NM_001365276.2(TNXB):c.4657C>T (p.Pro1553Ser)

Gene: TNXB (tenascin XB; minus strand). Cytogenetic location: 6p21.33.
Variant type: single nucleotide variant.
Coding change: c.4657C>T on transcript NM_001365276.2 (MANE Select); coding-DNA position 4657, C replaced by T.
Protein change: p.Pro1553Ser; replaces proline 1553 with serine.
Molecular consequence: missense variant.
Genome position (GRCh38, 1-based): chr6:32,073,671, G>A on the plus strand (C>T on the coding strand, the complement: TNXB is on the minus strand). VCF-style: chr6-32073671-G-A. GRCh37 (hg19) VCF-style: chr6-32041448-G-A.
Other names: c.4657C>T, p.Pro1553Ser (NM_019105.8); short protein forms P1553S.
Identifiers: ClinVar variation 1742212 (VCV001742212.2), dbSNP rs1483974773, ClinGen allele CA363423157.

ClinVar aggregate classification (germline): Uncertain significance (1 of 4 stars; one submission).

Conditions:
Cardiovascular phenotype. Identifiers: MedGen CN230736.

Allele frequency attached by ClinVar (database versions not stated): gnomAD exomes below 0.00001.
gnomAD v4.1: 1 of 1,609,054 alleles (0.000062%); highest among the groups gnomAD compares: Middle Eastern, 0.017%; no homozygotes.

Submission:

Ambry Genetics
Classification: Uncertain significance for Cardiovascular phenotype. Last evaluated: 2020-08-26. Review status: criteria provided, single submitter. Criteria: Ambry Variant Classification Scheme 2023. Collection method: clinical testing. Allele origin: germline.
Comment: The p.P1553S variant (also known as c.4657C>T), located in coding exon 11 of the TNXB gene, results from a C to T substitution at nucleotide position 4657. The proline at codon 1553 is replaced by serine, an amino acid with similar properties. This amino acid position is highly conserved in available vertebrate species. In addition, this alteration is predicted to be tolerated by in silico analysis. Since supporting evidence is limited at this time, the clinical significance of this alteration remains unclear.